The following is an entry in ClinVar:

NM_000152.5(GAA):c.1910T>C (p.Leu637Pro)

Gene: GAA (alpha glucosidase; plus strand). Cytogenetic location: 17q25.3.
Variant type: single nucleotide variant.
Coding change: c.1910T>C on transcript NM_000152.5 (MANE Select); coding-DNA position 1910, T replaced by C.
Protein change: p.Leu637Pro; replaces leucine 637 with proline.
Molecular consequence: missense variant.
Genome position (GRCh38, 1-based): chr17:80,112,897, T>C. VCF-style: chr17-80112897-T-C. GRCh37 (hg19) VCF-style: chr17-78086696-T-C.
Other names: c.1910T>C, p.Leu637Pro (NM_001079803.3, NM_001079804.3, NM_001406741.1 and 1 more transcripts); short protein forms L637P.
Identifiers: ClinVar variation 4876583 (VCV004876583.1).

ClinVar aggregate classification (germline): Uncertain significance (1 of 4 stars; one submission).

Conditions:
Glycogen storage disease, type II (IOPD). Also called: Pompe Disease; CARDIOMEGALIA GLYCOGENICA DIFFUSA; GLYCOGENOSIS, GENERALIZED, CARDIAC FORM; GSD II; POMPE DISEASE, INFANTILE-ONSET; GLYCOGEN STORAGE DISEASE II, INFANTILE-ONSET. Identifiers: Orphanet 365, MedGen C0017921, MONDO:0009290, OMIM 232300.

Submission:

Genomenon, Inc
Classification: Uncertain significance for Glycogen storage disease, type II. Last evaluated: 2026-07-01. Review status: criteria provided, single submitter. Criteria: Genomenon Sequence Variant Interpretation Standards - Updated. Collection method: curation. Allele origin: germline. Affected: yes.
Comment: GAA p.Leu637Pro (c.1910T>C) is a missense variant that changes the amino acid at codon 637 from Leucine to Proline. This variant has been observed in at least one proband with a GAA-related disorder (PMID:40225932). It is absent or not present at a significant frequency in gnomAD. In silico models predict that this variant is possibly or probably damaging. In conclusion, we classify GAA p.Leu637Pro (c.1910T>C) as a variant of uncertain significance.

Literature cited by the submitters: PubMed 40225932.